The following is an entry in ClinVar:

NM_000088.4(COL1A1):c.299-20C>G

Gene: COL1A1 (collagen type I alpha 1 chain; minus strand). Cytogenetic location: 17q21.33.
Variant type: single nucleotide variant.
Coding change: c.299-20C>G on transcript NM_000088.4 (MANE Select); 20 bases into the intron before coding-DNA position 299, C replaced by G.
Molecular consequence: intron variant.
Genome position (GRCh38, 1-based): chr17:50,199,610, G>C on the plus strand (C>G on the coding strand, the complement: COL1A1 is on the minus strand). VCF-style: chr17-50199610-G-C. GRCh37 (hg19) VCF-style: chr17-48276971-G-C.
Identifiers: ClinVar variation 254949 (VCV000254949.15), dbSNP rs2256835, ClinGen allele CA8645767.

ClinVar aggregate classification (germline): Benign. Review status: criteria provided, multiple submitters, no conflicts (2 of 4 stars). 11 submissions from 7 submitters: Benign (11). Last evaluated 2026-02-04.

Conditions:
Ehlers-Danlos syndrome, arthrochalasia type. Also called: Ehlers-Danlos syndrome, arthrochalasis type; EDS VII, MUTANT PROCOLLAGEN TYPE; EDS VIIA; Ehlers-Danlos syndrome, arthrochalasia type, 1; ARTHROCHALASIS MULTIPLEX CONGENITA. Identifiers: Orphanet 1899, Orphanet 99875, Orphanet 99876, MedGen C4551623, MONDO:0007525, OMIM 130060.
Osteogenesis imperfecta with normal sclerae, dominant form (OI4). Also called: OSTEOGENESIS IMPERFECTA WITH NORMAL SCLERAE; OSTEOGENESIS IMPERFECTA, TYPE IV, WITH DENTINOGENESIS IMPERFECTA; Osteogenesis Imperfecta Type IV; Osteogenesis imperfecta type 4; Common Variable Osteogenesis Imperfecta with Normal Sclerae. Identifiers: Orphanet 216820, Orphanet 666, MedGen C0268363, MONDO:0008148, OMIM 166220.
Osteogenesis imperfecta type III (OI3). Also called: Osteogenesis imperfecta type 3; OI type 3; Osteogenesis imperfecta, progressively deforming with normal sclerae; OI type III; Progressively Deforming Osteogenesis Imperfecta. Identifiers: Orphanet 216812, Orphanet 666, MedGen C0268362, MONDO:0009804, OMIM 259420.
Osteogenesis imperfecta, perinatal lethal (OI2). Also called: Osteogenesis imperfecta type 2; OI, TYPE II; OSTEOGENESIS IMPERFECTA CONGENITA; OSTEOGENESIS IMPERFECTA, TYPE II; VROLIK TYPE OF OSTEOGENESIS IMPERFECTA; Osteogenesis imperfecta, dominant perinatal lethal. Identifiers: Orphanet 216804, MedGen C0268358, MONDO:0008147, OMIM 166210.
Osteogenesis imperfecta type I (OI1). Also called: OI, TYPE I; OSTEOGENESIS IMPERFECTA TARDA; OSTEOGENESIS IMPERFECTA WITH BLUE SCLERAE; Osteogenesis imperfecta type 1; Lobstein's Disease; Lobstein disease. Identifiers: Orphanet 216796, Orphanet 666, MedGen C0023931, MONDO:0008146, OMIM 166200. Disease mechanism: loss of function.

Allele frequency attached by ClinVar (database versions not stated): 1000 Genomes Project 30x 0.50687; 1000 Genomes Project 0.51817; TOPMed 0.52913; gnomAD 0.54824 and 0.55301; ESP Exome Variant Server 0.55305; ExAC 0.61874; gnomAD exomes 0.62612 and 0.66096.
gnomAD v4.1: 1,048,598 of 1,613,412 alleles (65%); highest among the groups gnomAD compares: Non-Finnish European, 68%; 347,931 homozygotes.

Submissions (11):

Labcorp Genetics (formerly Invitae), Labcorp
Classification: Benign for Osteogenesis imperfecta type I. Last evaluated: 2026-02-04. Review status: criteria provided, single submitter. Criteria: Invitae Variant Classification Sherloc (09022015). Collection method: clinical testing. Allele origin: germline.

Blueprint Genetics
Classification: Benign. Last evaluated: 2024-11-28. Review status: criteria provided, single submitter. Criteria: ACMG Guidelines, 2015. Collection method: clinical testing. Allele origin: germline.

Genome-Nilou Lab
Classification: Benign for Ehlers-Danlos syndrome, arthrochalasia type. Last evaluated: 2021-07-22. Review status: criteria provided, single submitter. Criteria: ACMG Guidelines, 2015. Collection method: clinical testing. Allele origin: germline. Affected: no.

Genome-Nilou Lab
Classification: Benign for Osteogenesis imperfecta type I. Last evaluated: 2021-07-22. Review status: criteria provided, single submitter. Criteria: ACMG Guidelines, 2015. Collection method: clinical testing. Allele origin: germline. Affected: no.

Genome-Nilou Lab
Classification: Benign for Osteogenesis imperfecta, perinatal lethal. Last evaluated: 2021-07-22. Review status: criteria provided, single submitter. Criteria: ACMG Guidelines, 2015. Collection method: clinical testing. Allele origin: germline. Affected: no.

Genome-Nilou Lab
Classification: Benign for Osteogenesis imperfecta type III. Last evaluated: 2021-07-22. Review status: criteria provided, single submitter. Criteria: ACMG Guidelines, 2015. Collection method: clinical testing. Allele origin: germline. Affected: no.

Genome-Nilou Lab
Classification: Benign for Osteogenesis imperfecta with normal sclerae, dominant form. Last evaluated: 2021-07-22. Review status: criteria provided, single submitter. Criteria: ACMG Guidelines, 2015. Collection method: clinical testing. Allele origin: germline. Affected: no.

Athena Diagnostics
Classification: Benign. Last evaluated: 2017-07-28. Review status: criteria provided, single submitter. Criteria: Athena Diagnostics Criteria. Collection method: clinical testing. Allele origin: germline.

GeneDx
Classification: Benign. Last evaluated: 2016-03-03. Review status: criteria provided, single submitter. Criteria: GeneDx Variant Classification (06012015). Collection method: clinical testing. Allele origin: germline. Affected: yes.
Comment: This variant is considered likely benign or benign based on one or more of the following criteria: it is a conservative change, it occurs at a poorly conserved position in the protein, it is predicted to be benign by multiple in silico algorithms, and/or has population frequency not consistent with disease.

Breakthrough Genomics
Classification: Benign. Review status: criteria provided, single submitter. Criteria: ACMG Guidelines, 2015. Collection method: not provided. Allele origin: germline. Inheritance: Autosomal dominant inheritance. Affected: yes.

PreventionGenetics, part of Exact Sciences
Classification: Benign. Review status: criteria provided, single submitter. Criteria: ACMG Guidelines, 2015. Collection method: clinical testing. Allele origin: germline.